The following is an entry in ClinVar:

ClinVar aggregate classification (germline): Uncertain significance (1 of 4 stars; one submission).

Conditions:
Dystonia 5 (DRD). Also called: Dystonia, DOPA-responsive, with or without hyperphenylalaninemia; GTP Cyclohydrolase 1-Deficient Dopa-Responsive Dystonia; DYSTONIA, PROGRESSIVE, WITH DIURNAL VARIATION; DYSTONIA-PARKINSONISM WITH DIURNAL FLUCTUATION; DYT-GCH1. Identifiers: Orphanet 98808, MedGen C1851920, MONDO:0007495, OMIM 128230.
GTP cyclohydrolase I deficiency. Identifiers: MedGen C0268467, MONDO:0100184.

Submission:

Labcorp Genetics (formerly Invitae), Labcorp
Classification: Uncertain significance for GTP cyclohydrolase I deficiency; Dystonia 5. Last evaluated: 2018-06-23. Review status: criteria provided, single submitter. Criteria: Invitae Variant Classification Sherloc (09022015). Collection method: clinical testing. Allele origin: germline.
Comment: This sequence change replaces valine with leucine at codon 172 of the GCH1 protein (p.Val172Leu). The valine residue is highly conserved and there is a small physicochemical difference between valine and leucine. This variant is not present in population databases (ExAC no frequency). This variant has not been reported in the literature in individuals with GCH1-related disease. Algorithms developed to predict the effect of missense changes on protein structure and function are either unavailable or do not agree on the potential impact of this missense change (SIFT: "Tolerated"; PolyPhen-2: "Possibly Damaging"; Align-GVGD: "Class C0"). In summary, the available evidence is currently insufficient to determine the role of this variant in disease. Therefore, it has been classified as a Variant of Uncertain Significance.

NM_000161.3(GCH1):c.514G>T (p.Val172Leu)

Gene: GCH1 (GTP cyclohydrolase 1; minus strand). Cytogenetic location: 14q22.2.
Variant type: single nucleotide variant.
Coding change: c.514G>T on transcript NM_000161.3 (MANE Select); coding-DNA position 514, G replaced by T.
Protein change: p.Val172Leu; replaces valine 172 with leucine.
Molecular consequence: missense variant.
Genome position (GRCh38, 1-based): chr14:54,847,126, C>A on the plus strand (G>T on the coding strand, the complement: GCH1 is on the minus strand). VCF-style: chr14-54847126-C-A. GRCh37 (hg19) VCF-style: chr14-55313844-C-A.
Other names: c.514G>T, p.Val172Leu (NM_001024024.2, NM_001024070.2, NM_001024071.2); short protein forms V172L.
Identifiers: ClinVar variation 583206 (VCV000583206.7), dbSNP rs1566660315, ClinGen allele CA389787506.